The following is an entry in ClinVar:

NM_001690.4(ATP6V1A):c.676C>T (p.Pro226Ser)

Gene: ATP6V1A (ATPase H+ transporting V1 subunit A; plus strand). Cytogenetic location: 3q13.31.
Variant type: single nucleotide variant.
Coding change: c.676C>T on transcript NM_001690.4 (MANE Select); coding-DNA position 676, C replaced by T.
Protein change: p.Pro226Ser; replaces proline 226 with serine.
Molecular consequence: missense variant.
Genome position (GRCh38, 1-based): chr3:113,786,343, C>T. VCF-style: chr3-113786343-C-T. GRCh37 (hg19) VCF-style: chr3-113505190-C-T.
Other names: short protein forms P226S.
Identifiers: ClinVar variation 2855690 (VCV002855690.3), dbSNP rs2549720488, ClinGen allele CA354011058.

ClinVar aggregate classification (germline): Uncertain significance (1 of 4 stars; one submission).

Submission:

Labcorp Genetics (formerly Invitae), Labcorp
Classification: Uncertain significance. Last evaluated: 2024-10-21. Review status: criteria provided, single submitter. Criteria: Invitae Variant Classification Sherloc (09022015). Collection method: clinical testing. Allele origin: germline.
Comment: This sequence change replaces proline, which is neutral and non-polar, with serine, which is neutral and polar, at codon 226 of the ATP6V1A protein (p.Pro226Ser). This variant is not present in population databases (gnomAD no frequency). This variant has not been reported in the literature in individuals affected with ATP6V1A-related conditions. Invitae Evidence Modeling of protein sequence and biophysical properties (such as structural, functional, and spatial information, amino acid conservation, physicochemical variation, residue mobility, and thermodynamic stability) has been performed for this missense variant. However, the output from this modeling did not meet the statistical confidence thresholds required to predict the impact of this variant on ATP6V1A protein function. In summary, the available evidence is currently insufficient to determine the role of this variant in disease. Therefore, it has been classified as a Variant of Uncertain Significance.